The following is an entry in ClinVar:

NM_000329.3(RPE65):c.1078G>A (p.Ala360Thr)

Gene: RPE65 (retinoid isomerohydrolase RPE65; minus strand). Cytogenetic location: 1p31.3.
Variant type: single nucleotide variant.
Coding change: c.1078G>A on transcript NM_000329.3 (MANE Select); coding-DNA position 1078, G replaced by A.
Protein change: p.Ala360Thr; replaces alanine 360 with threonine.
Molecular consequence: missense variant.
Genome position (GRCh38, 1-based): chr1:68,438,237, C>T on the plus strand (G>A on the coding strand, the complement: RPE65 is on the minus strand). VCF-style: chr1-68438237-C-T. GRCh37 (hg19) VCF-style: chr1-68903920-C-T.
Other names: NM_000329.3(RPE65):c.1078G>A; p.Ala360Thr; short protein forms A360T.
Identifiers: ClinVar variation 1212838 (VCV001212838.10), dbSNP rs62646883, ClinGen allele CA340744155.

ClinVar aggregate classification (germline): Uncertain significance. Review status: reviewed by expert panel (3 of 4 stars). 3 submissions from 3 submitters: Uncertain significance (1). 2 of the submissions do not count toward it. Last evaluated 2026-09-22.

Conditions:
RPE65-related recessive retinopathy. Also called: Recessive RPE65 retinopathy. Identifiers: MedGen CN305526, MONDO:0100368.
Retinitis pigmentosa 20 (RP20). Identifiers: Orphanet 791, MedGen C3151086, MONDO:0013425, OMIM 613794.
Leber congenital amaurosis 2 (LCA2). Also called: AMAUROSIS CONGENITA OF LEBER II; Autosomal Recessive RPE65-Related Retinal Degeneration. Identifiers: Orphanet 65, MedGen C1859844, MONDO:0008765, OMIM 204100. Disease mechanism: loss of function.

Submissions (3):

ClinGen Leber Congenital Amaurosis/early Onset Retinal Dystrophy Variant Curation Expert Panel, ClinGen
Classification: Uncertain significance for RPE65-related recessive retinopathy. Last evaluated: 2026-09-22. Review status: reviewed by expert panel. Criteria: ClinGen LCAeoRD ACMG Specifications RPE65 V1.0.0. Collection method: curation. Allele origin: germline. Inheritance: Autosomal recessive inheritance.
Comment: NM_000329.3(RPE65):c.1078G>A is a missense variant predicted to replace alanine with threonine at position 360. This variant is absent from gnomAD v4.1.1 (PM2_Supporting). This variant has been reported in at least 1 affected proband who harbored the variant in the homozygous state (VCEP member-provided data). This variant has also been reported in at least 1 affected proband who harbored the variant in the compound heterozygous state (VCEP member-provided data) suspected in trans with the NM_000329.3(RPE65):c.499G>T (p.Asp167Tyr) variant, which was previously classified likely pathogenic by the ClinGen LCA / eoRD VCEP. However, neither proband was counted for PM3 because sufficient phenotype details were unavailable. Another variant at the same codon, NM_000329.3(RPE65):c.1078G>C (p.Ala360Pro), has been classified as likely pathogenic for RPE65-related recessive retinopathy by the ClinGen LCA / eoRD VCEP. (PM5_Supporting) The computational predictor REVEL gives a score of 0.521, which is below the ClinGen LCA / eoRD VCEP threshold of ≥0.644 and does not predict a damaging effect on RPE65 function. Additionally, the splicing impact predictor SpliceAI gives a score of 0.08 for acceptor gain, which is below the ClinGen LCA / eoRD VCEP recommended threshold of ≥0.2 and does not strongly predict an impact on splicing. In summary, this variant meets the criteria to be classified as a variant of uncertain significance for RPE65-related recessive retinopathy based on the ACMG/AMP criteria applied, as specified by the ClinGen LCA / eoRD VCEP: PM2_Supporting, PM5_Supporting. (VCEP specifications version 1.0.0.).

Labcorp Genetics (formerly Invitae), Labcorp
Classification: Uncertain significance for Leber congenital amaurosis 2; Retinitis pigmentosa 20. Last evaluated: 2023-05-26. Review status: criteria provided, single submitter. Criteria: Invitae Variant Classification Sherloc (09022015). Collection method: clinical testing. Allele origin: germline. Not counted in ClinVar's aggregate classification.
Comment: In summary, the available evidence is currently insufficient to determine the role of this variant in disease. Therefore, it has been classified as a Variant of Uncertain Significance. This variant disrupts the p.Ala360 amino acid residue in RPE65. Other variant(s) that disrupt this residue have been determined to be pathogenic (PMID: 19431183, 33952291). This suggests that this residue is clinically significant, and that variants that disrupt this residue are likely to be disease-causing. Advanced modeling of protein sequence and biophysical properties (such as structural, functional, and spatial information, amino acid conservation, physicochemical variation, residue mobility, and thermodynamic stability) performed at Invitae indicates that this missense variant is not expected to disrupt RPE65 protein function. ClinVar contains an entry for this variant (Variation ID: 1212838). This variant has not been reported in the literature in individuals affected with RPE65-related conditions. This variant is not present in population databases (gnomAD no frequency). This sequence change replaces alanine, which is neutral and non-polar, with threonine, which is neutral and polar, at codon 360 of the RPE65 protein (p.Ala360Thr).

GeneDx
Classification: Uncertain significance. Last evaluated: 2020-10-16. Review status: criteria provided, single submitter. Criteria: GeneDx Variant Classification Process June 2021. Collection method: clinical testing. Allele origin: germline. Affected: yes. Not counted in ClinVar's aggregate classification.
Comment: Not observed in large population cohorts (Lek et al., 2016); In silico analysis, which includes protein predictors and evolutionary conservation, supports that this variant does not alter protein structure/function; Has not been previously published as pathogenic or benign to our knowledge

Literature cited by the submitters: PubMed 19431183 (cited by Labcorp Genetics (formerly Invitae), Labcorp); PubMed 33952291 (cited by Labcorp Genetics (formerly Invitae), Labcorp).